The following is an entry in ClinVar:

NM_000195.5(HPS1):c.1846G>A (p.Glu616Lys)

Gene: HPS1 (HPS1 biogenesis of lysosomal organelles complex 3 subunit 1; minus strand). Cytogenetic location: 10q24.2.
Variant type: single nucleotide variant.
Coding change: c.1846G>A on transcript NM_000195.5 (MANE Select); coding-DNA position 1846, G replaced by A.
Protein change: p.Glu616Lys; replaces glutamic acid 616 with lysine.
Molecular consequence: missense variant.
Genome position (GRCh38, 1-based): chr10:98,420,056, C>T on the plus strand (G>A on the coding strand, the complement: HPS1 is on the minus strand). VCF-style: chr10-98420056-C-T. GRCh37 (hg19) VCF-style: chr10-100179813-C-T.
Other names: NM_000195.5(HPS1):c.1846G>A; p.Glu616Lys; c.1846G>A (NM_000195.4); c.874G>A, p.Glu292Lys (NM_001311345.2, NM_001322487.2, NM_001322489.2); c.1846G>A, p.Glu616Lys (NM_001322476.2, NM_001322477.2); c.1747G>A, p.Glu583Lys (NM_001322478.2, NM_001322479.2); c.1585G>A, p.Glu529Lys (NM_001322480.2, NM_001322481.2); c.1486G>A, p.Glu496Lys (NM_001322482.2); and 2 more; short protein forms E496K, E529K, E292K, E493K, E616K, E460K, E583K.
Identifiers: ClinVar variation 879090 (VCV000879090.17), dbSNP rs775570414, ClinGen allele CA5638877.
Genomic context (GRCh38, chr10:98,420,056, plus strand): 5'-CGGGAAGTGTGTGTGGCCCGTCCTGGCCCAGGGACTCAGCCTCACCTACCATGTCATTCT[C>T]GAACCACAGGAAGTAGGAGCAGTAGAAATCCCCCTCCTGGAACAGCAGCGTGGTGTAGCC-3'
Protein context (NP_000186.2, residues 606-626): DFYCSYFLWF[Glu616Lys]NDMGYKLQMI

ClinVar aggregate classification (germline): Conflicting classifications of pathogenicity. Review status: criteria provided, conflicting classifications (1 of 4 stars). 9 submissions from 9 submitters: Likely pathogenic (4); Uncertain significance (5). Last evaluated 2026-07-27.

Conditions:
HPS1-related disorders.
Pigmentary skin disorders.
Hermansky-Pudlak syndrome 1 (HPS1). Also called: DELTA STORAGE POOL DISEASE. Identifiers: Orphanet 231500, Orphanet 79430, MedGen C2931875, MONDO:0008748, OMIM 203300.
Hermansky-Pudlak syndrome (HPS). Also called: ALBINISM WITH HEMORRHAGIC DIATHESIS AND PIGMENTED RETICULOENDOTHELIAL CELLS. Identifiers: Orphanet 79430, MedGen C0079504, MONDO:0019312.

Allele frequency attached by ClinVar (database versions not stated): gnomAD exomes 0.00004 and 0.00006; ExAC 0.00006; TOPMed 0.00006; gnomAD 0.00011 and 0.00012.
gnomAD v4.1: 76 of 1,611,874 alleles (0.0047%); highest among the groups gnomAD compares: Admixed American, 0.033%; no homozygotes.

Submissions (9):

Genetics Laboratory, Great Ormond Street Hospital NHS Foundation Trust, North Thames Genomic Laboratory Hub
Classification: Uncertain significance for Pigmentary skin disorders. Last evaluated: 2026-07-27. Review status: criteria provided, single submitter. Criteria: ACGS Best Practice Guidelines for Variant Classification in Rare Disease 2024 v1.2. Collection method: clinical testing. Allele origin: germline. Affected: yes.
Comment: PM2_moderate, PM3_moderate

Labcorp Genetics (formerly Invitae), Labcorp
Classification: Likely pathogenic. Last evaluated: 2025-12-13. Review status: criteria provided, single submitter. Criteria: Invitae Variant Classification Sherloc (09022015). Collection method: clinical testing. Allele origin: germline.
Comment: This sequence change replaces glutamic acid, which is acidic and polar, with lysine, which is basic and polar, at codon 616 of the HPS1 protein (p.Glu616Lys). This variant is present in population databases (rs775570414, gnomAD 0.02%). This missense change has been observed in individual(s) with Hermansky-Pudlak syndrome (PMID: 34362826). In at least one individual the data is consistent with being in trans (on the opposite chromosome) from a pathogenic variant. ClinVar contains an entry for this variant (Variation ID: 879090). Invitae Evidence Modeling of protein sequence and biophysical properties (such as structural, functional, and spatial information, amino acid conservation, physicochemical variation, residue mobility, and thermodynamic stability) has been performed for this missense variant. However, the output from this modeling did not meet the statistical confidence thresholds required to predict the impact of this variant on HPS1 protein function. In summary, the currently available evidence indicates that the variant is pathogenic, but additional data are needed to prove that conclusively. Therefore, this variant has been classified as Likely Pathogenic.

Natera, Inc.
Classification: Likely pathogenic for Hermansky-Pudlak syndrome. Last evaluated: 2025-09-19. Review status: criteria provided, single submitter. Criteria: Natera Variant Classification Schema (03/2026). Collection method: clinical testing. Allele origin: germline.
Comment: The c.1846G>A variant in HPS1 is a missense variant predicted to cause substitution of glutamic acid to lysine at amino acid 616. This variant is rare in the general population with a frequency below the threshold expected for the associated phenotype(s). This variant has been observed in one or more individuals affected with the associated recessive disease, as either homozygous or compound heterozygous with a second variant (PMID: 34362826). This variant has been identified in one or more affected individual with a phenotype highly consistent with the associated gene (PMID: 34362826). Computational prediction algorithms indicate this variant is likely to affect gene or protein function. Given the available evidence, this variant is classified as Likely Pathogenic.

Blueprint Genetics
Classification: Likely pathogenic for HPS1-related disorders. Last evaluated: 2024-09-24. Review status: criteria provided, single submitter. Criteria: ACMG Guidelines, 2015. Collection method: clinical testing. Allele origin: germline. Affected: yes. Observed: 5 variant alleles.

Fulgent Genetics
Classification: Uncertain significance for Hermansky-Pudlak syndrome 1. Last evaluated: 2024-06-18. Review status: criteria provided, single submitter. Criteria: ACMG Guidelines, 2015. Collection method: clinical testing. Allele origin: germline.

GeneDx
Classification: Uncertain significance. Last evaluated: 2024-06-04. Review status: criteria provided, single submitter. Criteria: GeneDx Variant Classification Process June 2021. Collection method: clinical testing. Allele origin: germline. Affected: yes.
Comment: In silico analysis supports that this missense variant has a deleterious effect on protein structure/function; This variant is associated with the following publications: (PMID: 34362826)

Broad Center for Mendelian Genomics, Broad Institute of MIT and Harvard
Classification: Uncertain significance for Hermansky-Pudlak syndrome. Last evaluated: 2021-11-29. Review status: criteria provided, single submitter. Criteria: ACMG Guidelines, 2015. Collection method: curation. Allele origin: germline. Inheritance: Autosomal recessive inheritance.
Comment: The p.Glu616Lys variant in HPS1 has been reported in 1 individual, in the compound heterozygous state, with Hermansky-Pudlak syndrome (Lansdon 2021), and has been identified in 0.02% (6/35438) of Latino/Admixed American chromosomes by the Genome Aggregation Database (gnomAD; dbSNP ID: rs775570414). Although this variant has been seen in the general population in a heterozygous state, its frequency is not high enough to rule out a pathogenic role. Computational prediction tools and conservation analyses do not provide strong support for or against an impact to the protein. In summary, the clinical significance of the p.Glu616Lys variant is uncertain. ACMG/AMP Criteria applied: PM3 (Richards 2015).

Illumina Laboratory Services, Illumina
Classification: Uncertain significance for Hermansky-Pudlak syndrome 1. Last evaluated: 2018-01-13. Review status: criteria provided, single submitter. Criteria: ICSL Variant Classification Criteria 13 December 2019. Collection method: clinical testing. Allele origin: germline.

Center for Pediatric Genomic Medicine, Children's Mercy Hospital and Clinics
Classification: Likely pathogenic for Hermansky-Pudlak syndrome 1. Review status: criteria provided, single submitter. Criteria: ACMG Guidelines, 2015. Collection method: clinical testing. Allele origin: germline. Affected: yes.

Literature cited by the submitters: PubMed 34362826 (cited by Labcorp Genetics (formerly Invitae), Labcorp and Natera, Inc.).